The following is an entry in ClinVar:

NM_003482.4(KMT2D):c.10026C>T (p.Arg3342=)

Gene: KMT2D (lysine methyltransferase 2D; minus strand). Cytogenetic location: 12q13.12.
Variant type: single nucleotide variant.
Coding change: c.10026C>T on transcript NM_003482.4 (MANE Select); coding-DNA position 10026, C replaced by T.
Protein change: p.Arg3342=; no amino-acid change (arginine 3342 retained).
Molecular consequence: synonymous variant.
Genome position (GRCh38, 1-based): chr12:49,037,330, G>A on the plus strand (C>T on the coding strand, the complement: KMT2D is on the minus strand). VCF-style: chr12-49037330-G-A. GRCh37 (hg19) VCF-style: chr12-49431113-G-A.
Identifiers: ClinVar variation 2642947 (VCV002642947.27), dbSNP rs769409474, ClinGen allele CA6546621.

ClinVar aggregate classification (germline): Benign/Likely benign. Review status: criteria provided, multiple submitters, no conflicts (2 of 4 stars). 2 submissions from 2 submitters: Benign (1); Likely benign (1). Last evaluated 2025-02-17.

Conditions:
Kabuki syndrome. Also called: NIIKAWA-KUROKI SYNDROME; Kabuki make-up syndrome. Identifiers: Orphanet 2322, MedGen C0796004, MONDO:0016512.

Allele frequency attached by ClinVar (database versions not stated): ExAC 0.00001; gnomAD 0.00001; gnomAD exomes 0.00001; TOPMed 0.00001.
gnomAD v4.1: 4 of 1,612,280 alleles (0.00025%); highest among the groups gnomAD compares: Non-Finnish European, 0.00034%; no homozygotes.

Submissions (2):

Labcorp Genetics (formerly Invitae), Labcorp
Classification: Benign for Kabuki syndrome. Last evaluated: 2025-02-17. Review status: criteria provided, single submitter. Criteria: Invitae Variant Classification Sherloc (09022015). Collection method: clinical testing. Allele origin: germline.

CeGaT Center for Human Genetics Tuebingen
Classification: Likely benign. Last evaluated: 2022-09-01. Review status: criteria provided, single submitter. Criteria: CeGaT Center For Human Genetics Tuebingen Variant Classification Criteria Version 2. Collection method: clinical testing. Allele origin: germline. Affected: yes. Observed: 1 variant allele.
Comment: KMT2D: BP4, BP7